The following is an entry in ClinVar:

ClinVar aggregate classification (germline): Uncertain significance (1 of 4 stars; one submission).

Conditions:
Hereditary cancer-predisposing syndrome. Also called: Tumor predisposition; Hereditary neoplastic syndrome; Neoplastic Syndromes, Hereditary; Hereditary Cancer Syndrome. Identifiers: Orphanet 140162, MedGen C0027672, MeSH D009386, MONDO:0015356.

Submission:

Ambry Genetics
Classification: Uncertain significance for Hereditary cancer-predisposing syndrome. Last evaluated: 2025-05-03. Review status: criteria provided, single submitter. Criteria: Ambry Variant Classification Scheme 2023. Collection method: clinical testing. Allele origin: germline.
Comment: The p.Q196R variant (also known as c.587A>G), located in coding exon 3 of the XRCC2 gene, results from an A to G substitution at nucleotide position 587. The glutamine at codon 196 is replaced by arginine, an amino acid with highly similar properties. This amino acid position is conserved. In addition, this alteration is predicted to be deleterious by in silico analysis. Based on the available evidence, the clinical significance of this variant remains unclear.

NM_005431.2(XRCC2):c.587A>G (p.Gln196Arg)

Gene: XRCC2 (X-ray repair cross complementing 2; minus strand). Cytogenetic location: 7q36.1.
Variant type: single nucleotide variant.
Coding change: c.587A>G on transcript NM_005431.2 (MANE Select); coding-DNA position 587, A replaced by G.
Protein change: p.Gln196Arg; replaces glutamine 196 with arginine.
Molecular consequence: missense variant.
Genome position (GRCh38, 1-based): chr7:152,648,898, T>C on the plus strand (A>G on the coding strand, the complement: XRCC2 is on the minus strand). VCF-style: chr7-152648898-T-C. GRCh37 (hg19) VCF-style: chr7-152345983-T-C.
Other names: short protein forms Q196R.
Identifiers: ClinVar variation 3982922 (VCV003982922.1).